The following is an entry in ClinVar:

ClinVar aggregate classification (germline): Likely benign (0 of 4 stars; one submission).

Conditions:
GATA5-related disorder. Also called: GATA5-related condition.

Submission:

PreventionGenetics, part of Exact Sciences
Classification: Likely benign for GATA5-related condition. Last evaluated: 2020-11-24. Review status: no assertion criteria provided. Collection method: clinical testing. Allele origin: germline.
Comment: This variant is classified as likely benign based on ACMG/AMP sequence variant interpretation guidelines (Richards et al. 2015 PMID: 25741868, with internal and published modifications).

NM_080473.5(GATA5):c.1038+4A>T

Gene: GATA5 (GATA binding protein 5; minus strand). Cytogenetic location: 20q13.33.
Variant type: single nucleotide variant.
Coding change: c.1038+4A>T on transcript NM_080473.5 (MANE Select); 4 bases into the intron after coding-DNA position 1038, A replaced by T.
Molecular consequence: intron variant.
Genome position (GRCh38, 1-based): chr20:62,465,336, T>A on the plus strand (A>T on the coding strand, the complement: GATA5 is on the minus strand). VCF-style: chr20-62465336-T-A. GRCh37 (hg19) VCF-style: chr20-61040392-T-A.
Identifiers: ClinVar variation 3038563 (VCV003038563.2), dbSNP rs2146479945, ClinGen allele CA1019201229.